The following is an entry in ClinVar:

NM_001015880.2(PAPSS2):c.1157A>G (p.Asp386Gly)

Gene: PAPSS2 (3'-phosphoadenosine 5'-phosphosulfate synthase 2; plus strand). Cytogenetic location: 10q23.31.
Variant type: single nucleotide variant.
Coding change: c.1157A>G on transcript NM_001015880.2 (MANE Select); coding-DNA position 1157, A replaced by G.
Protein change: p.Asp386Gly; replaces aspartic acid 386 with glycine.
Molecular consequence: missense variant.
Genome position (GRCh38, 1-based): chr10:87,741,305, A>G. VCF-style: chr10-87741305-A-G. GRCh37 (hg19) VCF-style: chr10-89501062-A-G.
Other names: c.1142A>G, p.Asp381Gly (NM_004670.4); short protein forms D381G, D386G.
Identifiers: ClinVar variation 2704882 (VCV002704882.3), dbSNP rs2492870238, ClinGen allele CA377482594.

ClinVar aggregate classification (germline): Uncertain significance (1 of 4 stars; one submission).

Conditions:
Spondyloepimetaphyseal dysplasia, PAPSS2 type. Also called: SEMD, PAKISTANI TYPE; BRACHYOLMIA TYPE 4 WITH MILD EPIPHYSEAL AND METAPHYSEAL CHANGES; SPONDYLODYSPLASIA AND PREMATURE PUBARCHE. Identifiers: Orphanet 93282, MedGen C2748516, MONDO:0019666, OMIM 612847.

Submission:

Labcorp Genetics (formerly Invitae), Labcorp
Classification: Uncertain significance for Spondyloepimetaphyseal dysplasia, PAPSS2 type. Last evaluated: 2024-12-12. Review status: criteria provided, single submitter. Criteria: Invitae Variant Classification Sherloc (09022015). Collection method: clinical testing. Allele origin: germline.
Comment: This sequence change replaces aspartic acid, which is acidic and polar, with glycine, which is neutral and non-polar, at codon 386 of the PAPSS2 protein (p.Asp386Gly). This variant is not present in population databases (gnomAD no frequency). This variant has not been reported in the literature in individuals affected with PAPSS2-related conditions. ClinVar contains an entry for this variant (Variation ID: 2704882). An algorithm developed to predict the effect of missense changes on protein structure and function (PolyPhen-2) suggests that this variant is likely to be disruptive. In summary, the available evidence is currently insufficient to determine the role of this variant in disease. Therefore, it has been classified as a Variant of Uncertain Significance.